The following is an entry in ClinVar:

NM_019109.5(ALG1):c.203T>A (p.Phe68Tyr)

Genes: ALG1 (ALG1 chitobiosyldiphosphodolichol beta-mannosyltransferase; plus strand), LOC130058384 (ATAC-STARR-seq lymphoblastoid active region 10349; plus strand). Cytogenetic location: 16p13.3.
Variant type: single nucleotide variant.
Coding change: c.203T>A on transcript NM_019109.5 (MANE Select); coding-DNA position 203, T replaced by A.
Protein change: p.Phe68Tyr; replaces phenylalanine 68 with tyrosine.
Molecular consequence: missense variant.
Genome position (GRCh38, 1-based): chr16:5,072,052, T>A. VCF-style: chr16-5072052-T-A. GRCh37 (hg19) VCF-style: chr16-5122053-T-A.
Other names: short protein forms F68Y.
Identifiers: ClinVar variation 1386240 (VCV001386240.6), dbSNP rs1314923558, ClinGen allele CA394678845.

ClinVar aggregate classification (germline): Uncertain significance. Review status: criteria provided, multiple submitters, no conflicts (2 of 4 stars). 2 submissions from 2 submitters: Uncertain significance (2). Last evaluated 2022-03-06.

Conditions:
ALG1-congenital disorder of glycosylation. Also called: CONGENITAL DISORDER OF GLYCOSYLATION, TYPE Ik; ALG1-CDG; CDG Ik. Identifiers: Orphanet 79327, MedGen C2931005, MONDO:0012052, OMIM 608540.

Allele frequency attached by ClinVar (database versions not stated): TOPMed below 0.00001; gnomAD 0.00001; gnomAD exomes 0.00001.
gnomAD v4.1: 14 of 1,572,212 alleles (0.00089%); highest among the groups gnomAD compares: Non-Finnish European, 0.0012%; no homozygotes.

Submissions (2):

Fulgent Genetics
Classification: Uncertain significance for ALG1-congenital disorder of glycosylation. Last evaluated: 2022-03-06. Review status: criteria provided, single submitter. Criteria: ACMG Guidelines, 2015. Collection method: clinical testing. Allele origin: unknown.

Labcorp Genetics (formerly Invitae), Labcorp
Classification: Uncertain significance for ALG1-congenital disorder of glycosylation. Last evaluated: 2021-08-31. Review status: criteria provided, single submitter. Criteria: Invitae Variant Classification Sherloc (09022015). Collection method: clinical testing. Allele origin: germline.
Comment: This sequence change replaces phenylalanine with tyrosine at codon 68 of the ALG1 protein (p.Phe68Tyr). The phenylalanine residue is moderately conserved and there is a small physicochemical difference between phenylalanine and tyrosine. This variant is not present in population databases (ExAC no frequency). This variant has not been reported in the literature in individuals affected with ALG1-related conditions. Advanced modeling of protein sequence and biophysical properties (such as structural, functional, and spatial information, amino acid conservation, physicochemical variation, residue mobility, and thermodynamic stability) performed at Invitae indicates that this missense variant is not expected to disrupt ALG1 protein function. In summary, the available evidence is currently insufficient to determine the role of this variant in disease. Therefore, it has been classified as a Variant of Uncertain Significance.